The following is an entry in ClinVar:

ClinVar aggregate classification (germline): Likely benign (1 of 4 stars; one submission).

Allele frequency attached by ClinVar (database versions not stated): TOPMed 0.00001; gnomAD 0.00005; gnomAD exomes 0.00006; ExAC 0.00008; 1000 Genomes Project 30x 0.00047; 1000 Genomes Project 0.00060.
gnomAD v4.1: 105 of 1,613,390 alleles (0.0065%); highest among the groups gnomAD compares: South Asian, 0.086%; no homozygotes.

Submission:

CeGaT Center for Human Genetics Tuebingen
Classification: Likely benign. Last evaluated: 2023-03-01. Review status: criteria provided, single submitter. Criteria: CeGaT Center For Human Genetics Tuebingen Variant Classification Criteria Version 2. Collection method: clinical testing. Allele origin: germline. Affected: yes. Observed: 1 variant allele.
Comment: WDR93: BP4, BP7

NM_020212.2(WDR93):c.897C>T (p.Ser299=)

Gene: WDR93 (WD repeat domain 93; plus strand). Cytogenetic location: 15q26.1.
Variant type: single nucleotide variant.
Coding change: c.897C>T on transcript NM_020212.2 (MANE Select); coding-DNA position 897, C replaced by T.
Protein change: p.Ser299=; no amino-acid change (serine 299 retained).
Molecular consequence: synonymous variant.
Genome position (GRCh38, 1-based): chr15:89,727,173, C>T. VCF-style: chr15-89727173-C-T. GRCh37 (hg19) VCF-style: chr15-90270404-C-T.
Other names: c.897C>T, p.Ser299= (NM_001284395.2).
Identifiers: ClinVar variation 2645698 (VCV002645698.24), dbSNP rs560024697, ClinGen allele CA7729654.